The following is an entry in ClinVar:

ClinVar aggregate classification (germline): Pathogenic (1 of 4 stars; one submission).

Allele frequency attached by ClinVar (database versions not stated): gnomAD exomes below 0.00001.

Submission:

Labcorp Genetics (formerly Invitae), Labcorp
Classification: Pathogenic. Last evaluated: 2023-10-18. Review status: criteria provided, single submitter. Criteria: Invitae Variant Classification Sherloc (09022015). Collection method: clinical testing. Allele origin: germline.
Comment: This sequence change creates a premature translational stop signal (p.Leu118Ilefs*7) in the TSFM gene. It is expected to result in an absent or disrupted protein product. Loss-of-function variants in TSFM are known to be pathogenic (PMID: 17033963, 20435138, 25037205, 27677415). This variant is not present in population databases (gnomAD no frequency). This variant has not been reported in the literature in individuals affected with TSFM-related conditions. For these reasons, this variant has been classified as Pathogenic.

Literature cited by the submitters: PubMed 17033963; PubMed 20435138; PubMed 25037205; PubMed 27677415.

NM_005726.6(TSFM):c.350dup (p.Leu118fs)

Gene: TSFM (Ts translation elongation factor, mitochondrial; plus strand). Cytogenetic location: 12q14.1.
Variant type: Duplication.
Coding change: c.350dup on transcript NM_005726.6 (MANE Select); coding-DNA position 350, one base duplicated (T; older notation c.350dupT).
Protein change: p.Leu118fs; shifts the reading frame from leucine 118.
Molecular consequence: frameshift variant.
Genome position (GRCh38, 1-based): chr12:57,786,281, T duplicated. VCF-style (leftmost placement, unchanged base first): chr12-57786280-G-GT. GRCh37 (hg19) VCF-style: chr12-58180063-G-GT.
Other names: c.350dup, p.Leu118fs (NM_001172695.2, NM_001172696.2, NM_001172697.2); short protein forms L118fs.
Identifiers: ClinVar variation 2699349 (VCV002699349.4), dbSNP rs2540949341, ClinGen allele CA2619524632.